The following is an entry in ClinVar:

ClinVar aggregate classification (germline): Uncertain significance (1 of 4 stars; one submission).

Conditions:
Hereditary cancer-predisposing syndrome. Also called: Hereditary neoplastic syndrome; Neoplastic Syndromes, Hereditary; Tumor predisposition; Hereditary Cancer Syndrome. Identifiers: Orphanet 140162, MedGen C0027672, MeSH D009386, MONDO:0015356.

Submission:

Ambry Genetics
Classification: Uncertain significance for Hereditary cancer-predisposing syndrome. Last evaluated: 2022-02-04. Review status: criteria provided, single submitter. Criteria: Ambry Variant Classification Scheme 2023. Collection method: clinical testing. Allele origin: germline.
Comment: The p.R2506T variant (also known as c.7517G>C), located in coding exon 50 of the ATM gene, results from a G to C substitution at nucleotide position 7517. The arginine at codon 2506 is replaced by threonine, an amino acid with similar properties. This amino acid position is poorly conserved in available vertebrate species. In addition, this alteration is predicted to be tolerated by in silico analysis. Since supporting evidence is limited at this time, the clinical significance of this alteration remains unclear.

NM_000051.4(ATM):c.7517G>C (p.Arg2506Thr)

Genes: ATM (ATM serine/threonine kinase; plus strand), C11orf65 (chromosome 11 open reading frame 65; minus strand). Cytogenetic location: 11q22.3.
Variant type: single nucleotide variant.
Coding change: c.7517G>C on transcript NM_000051.4 (MANE Select); coding-DNA position 7517, G replaced by C.
Protein change: p.Arg2506Thr; replaces arginine 2506 with threonine.
Molecular consequence: missense variant. On other transcripts: non-coding transcript variant (1), intron variant (2).
Genome position (GRCh38, 1-based): chr11:108,331,445, G>C. VCF-style: chr11-108331445-G-C. GRCh37 (hg19) VCF-style: chr11-108202172-G-C.
Other names: c.7517G>C, p.Arg2506Thr (NM_001351834.2); c.641-22374C>G (NM_001330368.2); c.*38+3775C>G (NM_001351110.2); short protein forms R2506T.
Identifiers: ClinVar variation 1759304 (VCV001759304.2), dbSNP rs1555123920, ClinGen allele CA382560633.